The following is an entry in ClinVar:

ClinVar aggregate classification (germline): Uncertain significance (1 of 4 stars; one submission).

Conditions:
Mucopolysaccharidosis type 6 (MPS6). Also called: MPS VI; N-ACETYLGALACTOSAMINE-4-SULFATASE DEFICIENCY; ARSB DEFICIENCY; ARYLSULFATASE B DEFICIENCY; MPS 6; Maroteaux Lamy syndrome. Identifiers: Orphanet 583, MedGen C0026709, MONDO:0009661, OMIM 253200.

Allele frequency attached by ClinVar (database versions not stated): gnomAD exomes below 0.00001.
gnomAD v4.1: 1 of 1,499,790 alleles (0.000067%); highest among the groups gnomAD compares: South Asian, 0.0013%; no homozygotes.

Submission:

Labcorp Genetics (formerly Invitae), Labcorp
Classification: Uncertain significance for Mucopolysaccharidosis type 6. Last evaluated: 2022-12-22. Review status: criteria provided, single submitter. Criteria: Invitae Variant Classification Sherloc (09022015). Collection method: clinical testing. Allele origin: germline.
Comment: In summary, the available evidence is currently insufficient to determine the role of this variant in disease. Therefore, it has been classified as a Variant of Uncertain Significance. Advanced modeling of protein sequence and biophysical properties (such as structural, functional, and spatial information, amino acid conservation, physicochemical variation, residue mobility, and thermodynamic stability) performed at Invitae indicates that this missense variant is expected to disrupt ARSB protein function. This variant has not been reported in the literature in individuals affected with ARSB-related conditions. This variant is not present in population databases (gnomAD no frequency). This sequence change replaces histidine, which is basic and polar, with tyrosine, which is neutral and polar, at codon 46 of the ARSB protein (p.His46Tyr).

NM_000046.5(ARSB):c.136C>T (p.His46Tyr)

Genes: ARSB (arylsulfatase B; minus strand), LOC129994126 (ATAC-STARR-seq lymphoblastoid silent region 16127; plus strand). Cytogenetic location: 5q14.1.
Variant type: single nucleotide variant.
Coding change: c.136C>T on transcript NM_000046.5 (MANE Select); coding-DNA position 136, C replaced by T.
Protein change: p.His46Tyr; replaces histidine 46 with tyrosine.
Molecular consequence: missense variant.
Genome position (GRCh38, 1-based): chr5:78,985,113, G>A on the plus strand (C>T on the coding strand, the complement: ARSB is on the minus strand). VCF-style: chr5-78985113-G-A. GRCh37 (hg19) VCF-style: chr5-78280936-G-A.
Other names: c.136C>T, p.His46Tyr (NM_198709.3); short protein forms H46Y.
Identifiers: ClinVar variation 1989266 (VCV001989266.4), dbSNP rs1407551207, ClinGen allele CA360197020.